The following is an entry in ClinVar:

NM_023110.3(FGFR1):c.1253C>T (p.Ala418Val)

Gene: FGFR1 (fibroblast growth factor receptor 1; minus strand). Cytogenetic location: 8p11.23.
Variant type: single nucleotide variant.
Coding change: c.1253C>T on transcript NM_023110.3 (MANE Select); coding-DNA position 1253, C replaced by T.
Protein change: p.Ala418Val; replaces alanine 418 with valine.
Molecular consequence: missense variant.
Genome position (GRCh38, 1-based): chr8:38,419,564, G>A on the plus strand (C>T on the coding strand, the complement: FGFR1 is on the minus strand). VCF-style: chr8-38419564-G-A. GRCh37 (hg19) VCF-style: chr8-38277082-G-A.
Other names: c.1253C>T, p.Ala418Val (NM_000604.2, NM_001174063.2); c.1229C>T, p.Ala410Val (NM_001174064.2); c.1247C>T, p.Ala416Val (NM_001174065.2, NM_001354367.2, NM_001354369.2 and 2 more transcripts); c.986C>T, p.Ala329Val (NM_001174066.2, NM_023105.3); c.1346C>T, p.Ala449Val (NM_001174067.2); c.980C>T, p.Ala327Val (NM_001354368.2, NM_001354370.2, NM_023106.3); short protein forms A327V, A416V, A449V, A329V, A410V, A418V.
Identifiers: ClinVar variation 2144836 (VCV002144836.4), dbSNP rs1271245426, ClinGen allele CA370733610.
Genomic context (GRCh38, chr8:38,419,564, plus strand): 5'-CTGAGTGTGCAAATCCCCCATCTACTTTCTGTTACCTGTCTGCGCAGAGGGATGCTCTTG[G>A]CCAGCTTGTGCACAGCCATCTGGCTGTGGAAGTCACTCTTCTTGGTACCACTCTTCATCT-3'
Protein context (NP_075598.2, residues 408-428): FHSQMAVHKL[Ala418Val]KSIPLRRQVT

ClinVar aggregate classification (germline): Uncertain significance (1 of 4 stars; one submission).

Conditions:
Hypogonadotropic hypogonadism 2 with or without anosmia (HH2). Also called: HYPOGONADOTROPIC HYPOGONADISM 2 WITH OR WITHOUT ANOSMIA, SUSCEPTIBILITY TO; HYPOGONADOTROPIC HYPOGONADISM 2 WITHOUT ANOSMIA, SUSCEPTIBILITY TO; FGFR1-Related GnRH Deficiency (Kallmann Syndrome 2); HYPOGONADOTROPIC HYPOGONADISM 2 WITHOUT ANOSMIA. Identifiers: Orphanet 478, MedGen C1563720, MONDO:0007844, OMIM 147950. Disease mechanism: loss of function.
Pfeiffer syndrome (ACS5). Also called: ACS V. Identifiers: Orphanet 710, MedGen C0220658, MONDO:0007043, OMIM 101600.

Allele frequency attached by ClinVar (database versions not stated): gnomAD exomes below 0.00001.
gnomAD v4.1: 3 of 1,614,096 alleles (0.00019%); highest among the groups gnomAD compares: Admixed American, 0.0033%; no homozygotes.

Submission:

Labcorp Genetics (formerly Invitae), Labcorp
Classification: Uncertain significance for Pfeiffer syndrome; Hypogonadotropic hypogonadism 2 with or without anosmia. Last evaluated: 2024-10-23. Review status: criteria provided, single submitter. Criteria: Invitae Variant Classification Sherloc (09022015). Collection method: clinical testing. Allele origin: germline.
Comment: This sequence change replaces alanine, which is neutral and non-polar, with valine, which is neutral and non-polar, at codon 418 of the FGFR1 protein (p.Ala418Val). This variant is present in population databases (no rsID available, gnomAD 0.003%). This variant has not been reported in the literature in individuals affected with FGFR1-related conditions. ClinVar contains an entry for this variant (Variation ID: 2144836). Invitae Evidence Modeling of protein sequence and biophysical properties (such as structural, functional, and spatial information, amino acid conservation, physicochemical variation, residue mobility, and thermodynamic stability) indicates that this missense variant is not expected to disrupt FGFR1 protein function with a negative predictive value of 80%. In summary, the available evidence is currently insufficient to determine the role of this variant in disease. Therefore, it has been classified as a Variant of Uncertain Significance.